The following is an entry in ClinVar:

NM_001267550.2(TTN):c.95304C>T (p.Val31768=)

Genes: TTN (titin; minus strand), TTN-AS1 (TTN antisense RNA 1; plus strand). Cytogenetic location: 2q31.2.
Variant type: single nucleotide variant.
Coding change: c.95304C>T on transcript NM_001267550.2 (MANE Select); coding-DNA position 95304, C replaced by T.
Protein change: p.Val31768=; no amino-acid change (valine 31768 retained).
Molecular consequence: synonymous variant.
Genome position (GRCh38, 1-based): chr2:178,545,932, G>A on the plus strand (C>T on the coding strand, the complement: TTN is on the minus strand). VCF-style: chr2-178545932-G-A. GRCh37 (hg19) VCF-style: chr2-179410659-G-A.
Other names: c.90381C>T, p.Val30127= (NM_001256850.1); c.68109C>T, p.Val22703= (NM_003319.4); c.87600C>T, p.Val29200= (NM_133378.4); c.68484C>T, p.Val22828= (NM_133432.3); c.68685C>T, p.Val22895= (NM_133437.4).
Identifiers: ClinVar variation 467673 (VCV000467673.18), dbSNP rs367755163, ClinGen allele CA1986975.
Genomic context (GRCh38, chr2:178,545,932, plus strand): 5'-ATATTTGTTTACTGCCCTCACTCGGAATATGTACTCATTGTTCTTGATGAGCCTGGTAAC[G>A]ACATAGGATAGGGTTGGGCATTCGCCTTCAACAATCACCCAGTTGAGCCTGCTAGTCTCG-3'
Protein context (NP_001254479.2, residues 31758-31778): VEGECPTLSY[Val31768=]VTRLIKNNEY

ClinVar aggregate classification (germline): Likely benign. Review status: criteria provided, multiple submitters, no conflicts (2 of 4 stars). 4 submissions from 4 submitters: Likely benign (4). Last evaluated 2025-12-11.

Conditions:
Autosomal recessive limb-girdle muscular dystrophy type 2J (LGMDR10). Also called: Limb-girdle muscular dystrophy, type 2J; MUSCULAR DYSTROPHY, LIMB-GIRDLE, AUTOSOMAL RECESSIVE 10. Identifiers: Orphanet 140922, MedGen C1837342, MONDO:0012127, OMIM 608807.
Dilated cardiomyopathy 1G (CMD1G). Identifiers: Orphanet 154, MedGen C1858763, MONDO:0011400, OMIM 604145.
TTN-related disorder. Also called: TTN-related condition; TTN-related disease; TTN-related disorders.
Cardiovascular phenotype. Identifiers: MedGen CN230736.

Allele frequency attached by ClinVar (database versions not stated): ESP Exome Variant Server 0.00008; gnomAD 0.00008 and 0.00009; TOPMed 0.00009; 1000 Genomes Project 30x 0.00031; 1000 Genomes Project 0.00040.
gnomAD v4.1: 41 of 1,613,864 alleles (0.0025%); highest among the groups gnomAD compares: African/African-American, 0.025%; no homozygotes.

Submissions (4):

Labcorp Genetics (formerly Invitae), Labcorp
Classification: Likely benign for Dilated cardiomyopathy 1G; Autosomal recessive limb-girdle muscular dystrophy type 2J. Last evaluated: 2025-12-11. Review status: criteria provided, single submitter. Criteria: Invitae Variant Classification Sherloc (09022015). Collection method: clinical testing. Allele origin: germline.

PreventionGenetics, part of Exact Sciences
Classification: Likely benign for TTN-related condition. Last evaluated: 2025-10-31. Review status: criteria provided, single submitter. Criteria: ACMG Guidelines, 2015. Collection method: clinical testing. Allele origin: germline.
Comment: This variant is classified as likely benign based on ACMG/AMP sequence variant interpretation guidelines (Richards et al. 2015 PMID: 25741868, with internal and published modifications).

Ambry Genetics
Classification: Likely benign for Cardiovascular phenotype. Last evaluated: 2019-12-30. Review status: criteria provided, single submitter. Criteria: Ambry Variant Classification Scheme 2023. Collection method: clinical testing. Allele origin: germline.

GeneDx
Classification: Likely benign. Last evaluated: 2019-09-10. Review status: criteria provided, single submitter. Criteria: GeneDx Variant Classification Process June 2021. Collection method: clinical testing. Allele origin: germline. Affected: yes.